The following is an entry in ClinVar:

NM_015215.4(CAMTA1):c.4060C>T (p.Arg1354Cys)

Genes: CAMTA1 (calmodulin binding transcription activator 1; plus strand), LOC126805603 (CDK7 strongly-dependent group 2 enhancer GRCh37_chr1:7798026-7799225; plus strand). Cytogenetic location: 1p36.23.
Variant type: single nucleotide variant.
Coding change: c.4060C>T on transcript NM_015215.4 (MANE Select); coding-DNA position 4060, C replaced by T.
Protein change: p.Arg1354Cys; replaces arginine 1354 with cysteine.
Molecular consequence: missense variant.
Genome position (GRCh38, 1-based): chr1:7,738,360, C>T. VCF-style: chr1-7738360-C-T. GRCh37 (hg19) VCF-style: chr1-7798420-C-T.
Other names: c.3970C>T, p.Arg1324Cys (NM_001349608.2); c.3721C>T, p.Arg1241Cys (NM_001349609.2, NM_001349610.2, NM_001410737.1); c.3631C>T, p.Arg1211Cys (NM_001349612.2); c.793C>T, p.Arg265Cys (NM_001349623.1, NM_001349624.3, NM_001349625.2 and 5 more transcripts); c.3649C>T, p.Arg1217Cys (NM_001410738.1); c.1189C>T, p.Arg397Cys (NM_001349613.1); c.1132C>T, p.Arg378Cys (NM_001349614.1, NM_001349615.2, NM_001349616.2 and 2 more transcripts); short protein forms R1211C, R1354C, R1217C, R1324C, R378C, R397C, R1241C, R265C.
Identifiers: ClinVar variation 2072283 (VCV002072283.5), dbSNP rs372261959, ClinGen allele CA567055.

ClinVar aggregate classification (germline): Uncertain significance. Review status: criteria provided, multiple submitters, no conflicts (2 of 4 stars). 2 submissions from 2 submitters: Uncertain significance (2). Last evaluated 2024-11-05.

Conditions:
Inborn genetic diseases. Identifiers: MedGen C0950123, MeSH D030342.

Allele frequency attached by ClinVar (database versions not stated): TOPMed 0.00002; gnomAD 0.00001; ExAC 0.00005; ESP Exome Variant Server 0.00015.
gnomAD v4.1: 60 of 1,614,032 alleles (0.0037%); highest among the groups gnomAD compares: Admixed American, 0.025%; no homozygotes.

Submissions (2):

Labcorp Genetics (formerly Invitae), Labcorp
Classification: Uncertain significance. Last evaluated: 2024-11-05. Review status: criteria provided, single submitter. Criteria: Invitae Variant Classification Sherloc (09022015). Collection method: clinical testing. Allele origin: germline.
Comment: This sequence change replaces arginine, which is basic and polar, with cysteine, which is neutral and slightly polar, at codon 1354 of the CAMTA1 protein (p.Arg1354Cys). This variant is present in population databases (rs372261959, gnomAD 0.04%), and has an allele count higher than expected for a pathogenic variant. This variant has not been reported in the literature in individuals affected with CAMTA1-related conditions. ClinVar contains an entry for this variant (Variation ID: 2072283). Invitae Evidence Modeling of protein sequence and biophysical properties (such as structural, functional, and spatial information, amino acid conservation, physicochemical variation, residue mobility, and thermodynamic stability) indicates that this missense variant is not expected to disrupt CAMTA1 protein function with a negative predictive value of 80%. In summary, the available evidence is currently insufficient to determine the role of this variant in disease. Therefore, it has been classified as a Variant of Uncertain Significance.

Ambry Genetics
Classification: Uncertain significance for Inborn genetic diseases. Last evaluated: 2021-07-20. Review status: criteria provided, single submitter. Criteria: Ambry Variant Classification Scheme 2023. Collection method: clinical testing. Allele origin: germline.